The following is an entry in ClinVar:

NM_031935.3(HMCN1):c.10989+5A>G

Gene: HMCN1 (hemicentin 1; plus strand). Cytogenetic location: 1q31.1.
Variant type: single nucleotide variant.
Coding change: c.10989+5A>G on transcript NM_031935.3 (MANE Select); 5 bases into the intron after coding-DNA position 10989, A replaced by G.
Molecular consequence: intron variant.
Genome position (GRCh38, 1-based): chr1:186,108,602, A>G. VCF-style: chr1-186108602-A-G. GRCh37 (hg19) VCF-style: chr1-186077734-A-G.
Identifiers: ClinVar variation 294224 (VCV000294224.15), dbSNP rs200045422, ClinGen allele CA1293878.
Genomic context (GRCh38, chr1:186,108,602, plus strand): 5'-CAGATGCAGTGCCCCCACCTGTAATTACTTGGCTCAGAAATGGAGAACGGTTACAGGTAA[A>G]TTTTTTGATAAGCTCCACAAATTCCTTTTTGAGATGAAAAAAGTAAAAAAATCAGCTCTA-3'

ClinVar aggregate classification (germline): Benign. Review status: criteria provided, multiple submitters, no conflicts (2 of 4 stars). 4 submissions from 4 submitters: Benign (3). 1 of the submissions does not count toward it. Last evaluated 2026-01-21.

Conditions:
HMCN1-related disorder. Also called: HMCN1-related condition.
Age related macular degeneration 1 (ARMD1). Also called: MACULOPATHY, AGE-RELATED, 1. Identifiers: MedGen C1864205, MONDO:0011285, OMIM 603075.

Allele frequency attached by ClinVar (database versions not stated): ESP Exome Variant Server 0.00015; gnomAD 0.00029 and 0.00149; TOPMed 0.00071; 1000 Genomes Project 30x 0.00953; 1000 Genomes Project 0.01018.
gnomAD v4.1: 3,480 of 1,614,066 alleles (0.22%); highest among the groups gnomAD compares: South Asian, 3%; 80 homozygotes.

Submissions (4):

Labcorp Genetics (formerly Invitae), Labcorp
Classification: Benign. Last evaluated: 2026-01-21. Review status: criteria provided, single submitter. Criteria: Invitae Variant Classification Sherloc (09022015). Collection method: clinical testing. Allele origin: germline.

Genome-Nilou Lab
Classification: Benign for Age related macular degeneration 1. Last evaluated: 2023-04-11. Review status: criteria provided, single submitter. Criteria: ACMG Guidelines, 2015. Collection method: clinical testing. Allele origin: germline. Affected: no.

Illumina Laboratory Services, Illumina
Classification: Benign for Age related macular degeneration 1. Last evaluated: 2018-01-12. Review status: criteria provided, single submitter. Criteria: ICSL Variant Classification Criteria 13 December 2019. Collection method: clinical testing. Allele origin: germline.
Comment: This variant was observed in the ICSL laboratory as part of a predisposition screen in an ostensibly healthy population. It had not been previously curated by ICSL or reported in the Human Gene Mutation Database (HGMD: prior to June 1st, 2018), and was therefore a candidate for classification through an automated scoring system. Utilizing variant allele frequency, disease prevalence and penetrance estimates, and inheritance mode, an automated score was calculated to assess if this variant is too frequent to cause the disease. Based on the score and internal cut-off values, a variant classified as benign is not then subjected to further curation. The score for this variant resulted in a classification of benign for this disease.

PreventionGenetics, part of Exact Sciences
Classification: Benign for HMCN1-related condition. Last evaluated: 2019-07-12. Review status: no assertion criteria provided. Collection method: clinical testing. Allele origin: germline. Not counted in ClinVar's aggregate classification.
Comment: This variant is classified as benign based on ACMG/AMP sequence variant interpretation guidelines (Richards et al. 2015 PMID: 25741868, with internal and published modifications).